The following is an entry in ClinVar:

NM_000441.2(SLC26A4):c.3G>C (p.Met1Ile)

Genes: SLC26A4 (solute carrier family 26 member 4; plus strand), SLC26A4-AS1 (SLC26A4 antisense RNA 1; minus strand). Cytogenetic location: 7q22.3.
Variant type: single nucleotide variant.
Coding change: c.3G>C on transcript NM_000441.2 (MANE Select); coding-DNA position 3, G replaced by C.
Protein change: p.Met1Ile; changes the start codon (methionine 1).
Molecular consequence: missense variant, initiator codon variant. On other transcripts: non-coding transcript variant (1).
Genome position (GRCh38, 1-based): chr7:107,661,644, G>C. VCF-style: chr7-107661644-G-C. GRCh37 (hg19) VCF-style: chr7-107302089-G-C.
Other names: short protein forms M1I.
Identifiers: ClinVar variation 188721 (VCV000188721.19), dbSNP rs786204426, ClinGen allele CA273884.

ClinVar aggregate classification (germline): Pathogenic/Likely pathogenic. Review status: criteria provided, multiple submitters, no conflicts (2 of 4 stars). 8 submissions from 8 submitters: Pathogenic (4); Likely pathogenic (2). 2 of the submissions do not count toward it. Last evaluated 2026-01-26.

Conditions:
SLC26A4-related disorder. Also called: SLC26A4-related condition; SLC26A4-related disorders.
Pendred syndrome (PDS). Also called: Pendred's syndrome; THYROID DYSHORMONOGENESIS 2B; THYROID HORMONOGENESIS, GENETIC DEFECT IN, 2B; Pendred Syndrome (PDS); DEAFNESS WITH GOITER; GOITER-DEAFNESS SYNDROME. Identifiers: Orphanet 705, MedGen C0271829, MONDO:0010134, OMIM 274600.

Allele frequency attached by ClinVar (database versions not stated): gnomAD exomes below 0.00001; gnomAD 0.00001.

Submissions (8):

Natera, Inc.
Classification: Pathogenic for Pendred syndrome. Last evaluated: 2026-01-26. Review status: criteria provided, single submitter. Criteria: Natera Variant Classification Schema (03/2026). Collection method: clinical testing. Allele origin: germline.
Comment: The c.3G>C variant in SLC26A4 is predicted to result in start loss due to disruption of the initiator methionine. This variant is expected to result in nonsense mediated decay, truncation, or a dysfunctional protein product. This variant is rare in the general population with a frequency below the threshold expected for the associated phenotype(s). This variant has been observed in one or more individuals affected with the associated recessive disease, as either homozygous or compound heterozygous with a second variant (PMID: 17876604). Given the available evidence, this variant is classified as Pathogenic.

Labcorp Genetics (formerly Invitae), Labcorp
Classification: Pathogenic. Last evaluated: 2024-12-15. Review status: criteria provided, single submitter. Criteria: Invitae Variant Classification Sherloc (09022015). Collection method: clinical testing. Allele origin: germline.
Comment: This sequence change affects the initiator methionine of the SLC26A4 mRNA. The next in-frame methionine is located at codon 21. This variant is present in population databases (rs786204426, gnomAD 0.007%). Disruption of the initiator codon has been observed in individuals with SLC26A4-related conditions (PMID: 17876604, 19204907, 21961810, 27997596). ClinVar contains an entry for this variant (Variation ID: 188721). For these reasons, this variant has been classified as Pathogenic.

Blueprint Genetics
Classification: Pathogenic for SLC26A4-related disorders. Last evaluated: 2024-04-19. Review status: criteria provided, single submitter. Criteria: ACMG Guidelines, 2015. Collection method: clinical testing. Allele origin: germline. Affected: yes. Observed: 1 variant allele.

Women's Health and Genetics/Laboratory Corporation of America, LabCorp
Classification: Likely pathogenic for Pendred syndrome. Last evaluated: 2023-02-08. Review status: criteria provided, single submitter. Criteria: LabCorp Variant Classification Summary - May 2015. Collection method: clinical testing. Allele origin: germline.
Comment: Variant summary: SLC26A4 c.3G>C (p.Met1Ile) alters the initiation codon and is predicted to result either in absence of the protein or truncation of the encoded protein due to translation initiation at a downstream codon. Two of three in-silico tools predict a benign effect of the variant on protein function. The variant allele was found at a frequency of 3.2e-05 in 31384 control chromosomes (gnomAD). c.3G>C has been reported in the literature in two compound heterozygous individuals (siblings) affected with Pendred Syndrome in one family (Banghova_2007). These data indicate that the variant may be associated with disease. To our knowledge, no experimental evidence demonstrating an impact on protein function has been reported. Four ClinVar submitters (evaluation after 2014) cite this variant as pathogenic (n=2) and likely pathogenic (n=2). Based on the evidence outlined above, the variant was classified as likely pathogenic.

Genome-Nilou Lab
Classification: Likely pathogenic for Pendred syndrome. Last evaluated: 2021-09-05. Review status: criteria provided, single submitter. Criteria: ACMG Guidelines, 2015. Collection method: clinical testing. Allele origin: germline. Affected: no.

GeneDx
Classification: Pathogenic. Last evaluated: 2019-07-17. Review status: criteria provided, single submitter. Criteria: GeneDx Variant Classification Process June 2021. Collection method: clinical testing. Allele origin: germline. Affected: yes.
Comment: Initiation codon variant in a gene for which loss-of-function is a known mechanism of disease; Not observed at a significant frequency in large population cohorts (Lek et al., 2016); This variant is associated with the following publications: (PMID: 17876604)

Zotz-Klimas Genetics Lab, MVZ Zotz Klimas
Classification: Pathogenic for Pendred syndrome. Last evaluated: 2023-10-09. Review status: no assertion criteria provided. Collection method: clinical testing. Allele origin: germline. Affected: yes. Not counted in ClinVar's aggregate classification.

Counsyl
Classification: Likely pathogenic for Pendred's syndrome. Last evaluated: 2014-03-16. Review status: no assertion criteria provided. Collection method: literature only. Allele origin: unknown. Inheritance: Autosomal recessive inheritance. Not counted in ClinVar's aggregate classification.

Literature cited by the submitters: PubMed 17876604 (cited by 4 submitters); PubMed 19204907 (cited by Labcorp Genetics (formerly Invitae), Labcorp); PubMed 21961810 (cited by Labcorp Genetics (formerly Invitae), Labcorp); PubMed 27997596 (cited by Labcorp Genetics (formerly Invitae), Labcorp).